The following is an entry in ClinVar:

NM_201253.3(CRB1):c.2596C>A (p.Pro866Thr)

Gene: CRB1 (crumbs cell polarity complex component 1; plus strand). Cytogenetic location: 1q31.3.
Variant type: single nucleotide variant.
Coding change: c.2596C>A on transcript NM_201253.3 (MANE Select); coding-DNA position 2596, C replaced by A.
Protein change: p.Pro866Thr; replaces proline 866 with threonine.
Molecular consequence: missense variant. On other transcripts: non-coding transcript variant (2), intron variant (1).
Genome position (GRCh38, 1-based): chr1:197,427,921, C>A. VCF-style: chr1-197427921-C-A. GRCh37 (hg19) VCF-style: chr1-197397051-C-A.
Other names: c.2260C>A, p.Pro754Thr (NM_001193640.2); c.2389C>A, p.Pro797Thr (NM_001257965.2); c.2128+5965C>A (NM_001257966.2); short protein forms P754T, P797T, P866T.
Identifiers: ClinVar variation 2672375 (VCV002672375.23), dbSNP rs1664680333, ClinGen allele CA344038457.

ClinVar aggregate classification (germline): Uncertain significance (1 of 4 stars; one submission).

Allele frequency attached by ClinVar (database versions not stated): TOPMed below 0.00001.

Submission:

CeGaT Center for Human Genetics Tuebingen
Classification: Uncertain significance. Last evaluated: 2023-11-01. Review status: criteria provided, single submitter. Criteria: CeGaT Center For Human Genetics Tuebingen Variant Classification Criteria Version 2. Collection method: clinical testing. Allele origin: germline. Affected: yes. Observed: 1 variant allele.
Comment: CRB1: PM2, BP4